The following is an entry in ClinVar:

NM_005732.4(RAD50):c.3929A>C (p.Asn1310Thr)

Genes: RAD50 (RAD50 double strand break repair protein; plus strand), TH2LCRR (T helper type 2 locus control region associated RNA; minus strand). Cytogenetic location: 5q31.1.
Variant type: single nucleotide variant.
Coding change: c.3929A>C on transcript NM_005732.4 (MANE Select); coding-DNA position 3929, A replaced by C.
Protein change: p.Asn1310Thr; replaces asparagine 1310 with threonine.
Molecular consequence: missense variant.
Genome position (GRCh38, 1-based): chr5:132,642,354, A>C. VCF-style: chr5-132642354-A-C. GRCh37 (hg19) VCF-style: chr5-131978046-A-C.
Other names: short protein forms N1310T.
Identifiers: ClinVar variation 233239 (VCV000233239.14), dbSNP rs753468016, ClinGen allele CA10578623.

ClinVar aggregate classification (germline): Uncertain significance. Review status: criteria provided, multiple submitters, no conflicts (2 of 4 stars). 2 submissions from 2 submitters: Uncertain significance (2). Last evaluated 2024-12-14.

Conditions:
Hereditary cancer-predisposing syndrome. Also called: Neoplastic Syndromes, Hereditary; Tumor predisposition; Hereditary Cancer Syndrome; Hereditary neoplastic syndrome. Identifiers: Orphanet 140162, MedGen C0027672, MeSH D009386, MONDO:0015356.

gnomAD v4.1: 16 of 1,613,344 alleles (0.00099%); highest among the groups gnomAD compares: Non-Finnish European, 0.0014%; no homozygotes.

Submissions (2):

Ambry Genetics
Classification: Uncertain significance for Hereditary cancer-predisposing syndrome. Last evaluated: 2024-12-14. Review status: criteria provided, single submitter. Criteria: Ambry Variant Classification Scheme 2023. Collection method: clinical testing. Allele origin: germline.
Comment: The p.N1310T variant (also known as c.3929A>C), located in coding exon 25 of the RAD50 gene, results from an A to C substitution at nucleotide position 3929. The asparagine at codon 1310 is replaced by threonine, an amino acid with similar properties. This amino acid position is poorly conserved in available vertebrate species. In addition, this alteration is predicted to be tolerated by in silico analysis. Since supporting evidence is limited at this time, the clinical significance of this alteration remains unclear.

Labcorp Genetics (formerly Invitae), Labcorp
Classification: Uncertain significance for Hereditary cancer-predisposing syndrome. Last evaluated: 2023-09-08. Review status: criteria provided, single submitter. Criteria: Invitae Variant Classification Sherloc (09022015). Collection method: clinical testing. Allele origin: germline.
Comment: This sequence change replaces asparagine, which is neutral and polar, with threonine, which is neutral and polar, at codon 1310 of the RAD50 protein (p.Asn1310Thr). In summary, the available evidence is currently insufficient to determine the role of this variant in disease. Therefore, it has been classified as a Variant of Uncertain Significance. An algorithm developed to predict the effect of missense changes on protein structure and function (PolyPhen-2) suggests that this variant is likely to be tolerated. ClinVar contains an entry for this variant (Variation ID: 233239). This variant has not been reported in the literature in individuals affected with RAD50-related conditions. This variant is present in population databases (no rsID available, gnomAD 0.0009%).